The following is an entry in ClinVar:

NM_005529.7(HSPG2):c.10001G>A (p.Arg3334His)

Gene: HSPG2 (heparan sulfate proteoglycan 2; minus strand). Cytogenetic location: 1p36.12.
Variant type: single nucleotide variant.
Coding change: c.10001G>A on transcript NM_005529.7 (MANE Select); coding-DNA position 10001, G replaced by A.
Protein change: p.Arg3334His; replaces arginine 3334 with histidine.
Molecular consequence: missense variant.
Genome position (GRCh38, 1-based): chr1:21,838,974, C>T on the plus strand (G>A on the coding strand, the complement: HSPG2 is on the minus strand). VCF-style: chr1-21838974-C-T. GRCh37 (hg19) VCF-style: chr1-22165467-C-T.
Other names: c.10004G>A, p.Arg3335His (NM_001291860.2); short protein forms R3334H, R3335H.
Identifiers: ClinVar variation 1911223 (VCV001911223.8), dbSNP rs746201509, ClinGen allele CA670256.

ClinVar aggregate classification (germline): Uncertain significance. Review status: criteria provided, multiple submitters, no conflicts (2 of 4 stars). 2 submissions from 2 submitters: Uncertain significance (2). Last evaluated 2025-06-17.

Conditions:
Inborn genetic diseases. Identifiers: MedGen C0950123, MeSH D030342.

Allele frequency attached by ClinVar (database versions not stated): gnomAD 0.00003; TOPMed 0.00004; ExAC 0.00006; gnomAD exomes 0.00007.
gnomAD v4.1: 100 of 1,612,504 alleles (0.0062%); highest among the groups gnomAD compares: South Asian, 0.029%; 2 homozygotes.

Submissions (3):

Ambry Genetics
Classification: Uncertain significance for Inborn genetic diseases. Last evaluated: 2025-06-17. Review status: criteria provided, single submitter. Criteria: Ambry Variant Classification Scheme 2023. Collection method: clinical testing. Allele origin: germline.

Labcorp Genetics (formerly Invitae), Labcorp
Classification: Uncertain significance. Last evaluated: 2023-07-07. Review status: criteria provided, single submitter. Criteria: Invitae Variant Classification Sherloc (09022015). Collection method: clinical testing. Allele origin: germline.
Comment: This sequence change replaces arginine, which is basic and polar, with histidine, which is basic and polar, at codon 3334 of the HSPG2 protein (p.Arg3334His). This variant is present in population databases (rs746201509, gnomAD 0.02%), including at least one homozygous and/or hemizygous individual. This variant has not been reported in the literature in individuals affected with HSPG2-related conditions. ClinVar contains an entry for this variant (Variation ID: 1911223). An algorithm developed to predict the effect of missense changes on protein structure and function (PolyPhen-2) suggests that this variant is likely to be disruptive. In summary, the available evidence is currently insufficient to determine the role of this variant in disease. Therefore, it has been classified as a Variant of Uncertain Significance.

Dr. Peter K. Rogan Lab, Western University
No classification provided (evidence only). Condition: Uterine corpus endometrial carcinoma. Review status: no classification provided. Collection method: in vitro. Allele origin: not applicable. Functional consequence: retained intron. Not counted in ClinVar's aggregate classification.